The following is an entry in ClinVar:

NM_001165963.4(SCN1A):c.1396G>A (p.Ala466Thr)

Gene: SCN1A (sodium voltage-gated channel alpha subunit 1; minus strand). Cytogenetic location: 2q24.3.
Variant type: single nucleotide variant.
Coding change: c.1396G>A on transcript NM_001165963.4 (MANE Select); coding-DNA position 1396, G replaced by A.
Protein change: p.Ala466Thr; replaces alanine 466 with threonine.
Molecular consequence: missense variant. On other transcripts: 5 prime UTR variant (1), non-coding transcript variant (1).
Genome position (GRCh38, 1-based): chr2:166,045,309, C>T on the plus strand (G>A on the coding strand, the complement: SCN1A is on the minus strand). VCF-style: chr2-166045309-C-T. GRCh37 (hg19) VCF-style: chr2-166901819-C-T.
Other names: c.1396G>A, p.Ala466Thr (NM_001165964.3, NM_001202435.3, NM_001353948.2 and 7 more transcripts); c.1393G>A, p.Ala465Thr (NM_001353954.2, NM_001353955.2, NM_001353960.2); c.-1030G>A (NM_001353961.2); short protein forms A465T, A466T.
Identifiers: ClinVar variation 1049523 (VCV001049523.3), dbSNP rs762652516, ClinGen allele CA59797018.

ClinVar aggregate classification (germline): Uncertain significance. Review status: criteria provided, single submitter (1 of 4 stars). 2 submissions from 2 submitters: Uncertain significance (1). 1 of the submissions does not count toward it. Last evaluated 2024-12-09.

Conditions:
Early-infantile DEE. Also called: Ohtahara syndrome; Early infantile epileptic encephalopathy with suppression bursts; Early infantile epileptic encephalopathy. Identifiers: Orphanet 1934, MedGen C0393706, MONDO:0800491.

Allele frequency attached by ClinVar (database versions not stated): TOPMed below 0.00001; gnomAD 0.00001; gnomAD exomes below 0.00001.
gnomAD v4.1: 8 of 1,614,042 alleles (0.0005%); no homozygotes.

Submissions (2):

Labcorp Genetics (formerly Invitae), Labcorp
Classification: Uncertain significance for Early-infantile DEE. Last evaluated: 2024-12-09. Review status: criteria provided, single submitter. Criteria: Invitae Variant Classification Sherloc (09022015). Collection method: clinical testing. Allele origin: germline.
Comment: This sequence change replaces alanine, which is neutral and non-polar, with threonine, which is neutral and polar, at codon 466 of the SCN1A protein (p.Ala466Thr). This variant is not present in population databases (gnomAD no frequency). This variant has not been reported in the literature in individuals affected with SCN1A-related conditions. ClinVar contains an entry for this variant (Variation ID: 1049523). Invitae Evidence Modeling of protein sequence and biophysical properties (such as structural, functional, and spatial information, amino acid conservation, physicochemical variation, residue mobility, and thermodynamic stability) indicates that this missense variant is not expected to disrupt SCN1A protein function with a negative predictive value of 95%. In summary, the available evidence is currently insufficient to determine the role of this variant in disease. Therefore, it has been classified as a Variant of Uncertain Significance.

Department of Pathology and Laboratory Medicine, Sinai Health System
Classification: Uncertain significance. Review status: no assertion criteria provided. Collection method: clinical testing. Allele origin: unknown. Affected: yes. Study: The Canadian Open Genetics Repository (COGR). Not counted in ClinVar's aggregate classification.
Comment: The SCN1A p.Ala466Thr variant was not identified in the literature nor was it identified in ClinVar. The variant was identified in dbSNP (ID: rs762652516) but was not identified in the following control databases: the 1000 Genomes Project, the NHLBI GO Exome Sequencing Project, or the Genome Aggregation Database (March 6, 2019, v2.1.1). The p.Ala466 residue is conserved in mammals but not in more distantly related organisms however computational analyses (PolyPhen-2, SIFT, AlignGVGD, BLOSUM, MutationTaster) do not suggest a high likelihood of impact to the protein; this information is not predictive enough to rule out pathogenicity. The variant occurs outside of the splicing consensus sequence and in silico or computational prediction software programs (SpliceSiteFinder, MaxEntScan, NNSPLICE, GeneSplicer) do not predict a difference in splicing. In summary, based on the above information the clinical significance of this variant cannot be determined with certainty at this time. This variant is classified as a variant of uncertain significance.